The following is an entry in ClinVar:

NM_020884.7(MYH7B):c.278C>T (p.Thr93Met)

Gene: MYH7B (myosin heavy chain 7B; plus strand). Cytogenetic location: 20q11.22.
Variant type: single nucleotide variant.
Coding change: c.278C>T on transcript NM_020884.7 (MANE Select); coding-DNA position 278, C replaced by T.
Protein change: p.Thr93Met; replaces threonine 93 with methionine.
Molecular consequence: missense variant.
Genome position (GRCh38, 1-based): chr20:34,979,740, C>T. VCF-style: chr20-34979740-C-T. GRCh37 (hg19) VCF-style: chr20-33567543-C-T.
Other names: short protein forms T93M.
Identifiers: ClinVar variation 3607670 (VCV003607670.2).

ClinVar aggregate classification (germline): Uncertain significance (1 of 4 stars; one submission).

gnomAD v4.1: 9 of 1,614,088 alleles (0.00056%); highest among the groups gnomAD compares: Non-Finnish European, 0.00068%; no homozygotes.

Submission:

Labcorp Genetics (formerly Invitae), Labcorp
Classification: Uncertain significance. Last evaluated: 2024-01-31. Review status: criteria provided, single submitter. Criteria: Invitae Variant Classification Sherloc (09022015). Collection method: clinical testing. Allele origin: germline.
Comment: This sequence change replaces threonine, which is neutral and polar, with methionine, which is neutral and non-polar, at codon 135 of the MYH7B protein (p.Thr135Met). This variant is present in population databases (rs375000032, gnomAD 0.003%). This variant has not been reported in the literature in individuals affected with MYH7B-related conditions. Advanced modeling of protein sequence and biophysical properties (such as structural, functional, and spatial information, amino acid conservation, physicochemical variation, residue mobility, and thermodynamic stability) performed at Invitae indicates that this missense variant is expected to disrupt MYH7B protein function with a positive predictive value of 80%. In summary, the available evidence is currently insufficient to determine the role of this variant in disease. Therefore, it has been classified as a Variant of Uncertain Significance.